The following is an entry in ClinVar:

NM_015346.4(ZFYVE26):c.7407T>C (p.Asp2469=)

Gene: ZFYVE26 (zinc finger FYVE-type containing 26; minus strand). Cytogenetic location: 14q24.1.
Variant type: single nucleotide variant.
Coding change: c.7407T>C on transcript NM_015346.4 (MANE Select); coding-DNA position 7407, T replaced by C.
Protein change: p.Asp2469=; no amino-acid change (aspartic acid 2469 retained).
Molecular consequence: synonymous variant.
Genome position (GRCh38, 1-based): chr14:67,751,061, A>G on the plus strand (T>C on the coding strand, the complement: ZFYVE26 is on the minus strand). VCF-style: chr14-67751061-A-G. GRCh37 (hg19) VCF-style: chr14-68217778-A-G.
Other names: p.Asp2469=.
Identifiers: ClinVar variation 241059 (VCV000241059.22), dbSNP rs35106153, ClinGen allele CA7238966.

ClinVar aggregate classification (germline): Benign. Review status: criteria provided, multiple submitters, no conflicts (2 of 4 stars). 8 submissions from 8 submitters: Benign (8). Last evaluated 2026-01-31.

Conditions:
Spastic paraplegia. Identifiers: MedGen C0037772, HP:0001258.
Hereditary spastic paraplegia. Also called: Familial spastic paraparesis. Identifiers: Orphanet 685, MedGen C0037773, MONDO:0019064. Disease mechanism: loss of function.
Hereditary spastic paraplegia 15 (SPG15). Also called: SPASTIC PARAPLEGIA 15, AUTOSOMAL RECESSIVE; KJELLIN SYNDROME; SPASTIC PARAPLEGIA AND RETINAL DEGENERATION. Identifiers: Orphanet 100996, MedGen C1849128, MONDO:0010044, OMIM 270700.

Allele frequency attached by ClinVar (database versions not stated): gnomAD exomes 0.00158 and 0.00475; ExAC 0.00594; gnomAD 0.01747 and 0.01846; ESP Exome Variant Server 0.02014; TOPMed 0.02014; 1000 Genomes Project 0.02396; 1000 Genomes Project 30x 0.02655.
gnomAD v4.1: 5,089 of 1,614,180 alleles (0.32%); highest among the groups gnomAD compares: African/African-American, 6%; 161 homozygotes.

Submissions (8):

Labcorp Genetics (formerly Invitae), Labcorp
Classification: Benign for Spastic paraplegia. Last evaluated: 2026-01-31. Review status: criteria provided, single submitter. Criteria: Invitae Variant Classification Sherloc (09022015). Collection method: clinical testing. Allele origin: germline.

Athena Diagnostics
Classification: Benign. Last evaluated: 2025-01-17. Review status: criteria provided, single submitter. Criteria: Athena Diagnostics Criteria. Collection method: clinical testing. Allele origin: unknown.
Comment: The frequency of this variant in the general population is higher than would generally be expected for pathogenic variants in this gene.

Genome-Nilou Lab
Classification: Benign for Hereditary spastic paraplegia 15. Last evaluated: 2021-12-05. Review status: criteria provided, single submitter. Criteria: ACMG Guidelines, 2015. Collection method: clinical testing. Allele origin: germline. Affected: no.

Illumina Laboratory Services, Illumina
Classification: Benign for Hereditary spastic paraplegia 15. Last evaluated: 2018-01-13. Review status: criteria provided, single submitter. Criteria: ICSL Variant Classification Criteria 13 December 2019. Collection method: clinical testing. Allele origin: germline.
Comment: This variant was observed in the ICSL laboratory as part of a predisposition screen in an ostensibly healthy population. It had not been previously curated by ICSL or reported in the Human Gene Mutation Database (HGMD: prior to June 1st, 2018), and was therefore a candidate for classification through an automated scoring system. Utilizing variant allele frequency, disease prevalence and penetrance estimates, and inheritance mode, an automated score was calculated to assess if this variant is too frequent to cause the disease. Based on the score and internal cut-off values, a variant classified as benign is not then subjected to further curation. The score for this variant resulted in a classification of benign for this disease.

Genome Diagnostics Laboratory, The Hospital for Sick Children
Classification: Benign for Hereditary spastic paraplegia. Last evaluated: 2017-05-29. Review status: criteria provided, single submitter. Criteria: ACMG Guidelines, 2015. Collection method: clinical testing. Allele origin: germline. Affected: yes.

Mayo Clinic Laboratories, Mayo Clinic
Classification: Benign. Last evaluated: 2016-11-25. Review status: criteria provided, single submitter. Criteria: ACMG Guidelines, 2015. Collection method: clinical testing. Allele origin: germline. Observed: 9 variant alleles.

GeneDx
Classification: Benign. Last evaluated: 2016-10-24. Review status: criteria provided, single submitter. Criteria: GeneDx Variant Classification (06012015). Collection method: clinical testing. Allele origin: germline. Affected: yes.
Comment: This variant is considered likely benign or benign based on one or more of the following criteria: it is a conservative change, it occurs at a poorly conserved position in the protein, it is predicted to be benign by multiple in silico algorithms, and/or has population frequency not consistent with disease.

Breakthrough Genomics
Classification: Benign. Review status: criteria provided, single submitter. Criteria: ACMG Guidelines, 2015. Collection method: not provided. Allele origin: germline. Inheritance: Autosomal recessive inheritance. Affected: yes.